The following is an entry in ClinVar:

NM_005515.4(MNX1):c.1187A>C (p.His396Pro)

Gene: MNX1 (motor neuron and pancreas homeobox 1; minus strand). Cytogenetic location: 7q36.3.
Variant type: single nucleotide variant.
Coding change: c.1187A>C on transcript NM_005515.4 (MANE Select); coding-DNA position 1187, A replaced by C.
Protein change: p.His396Pro; replaces histidine 396 with proline.
Molecular consequence: missense variant.
Genome position (GRCh38, 1-based): chr7:157,005,539, T>G on the plus strand (A>C on the coding strand, the complement: MNX1 is on the minus strand). VCF-style: chr7-157005539-T-G. GRCh37 (hg19) VCF-style: chr7-156798233-T-G.
Other names: c.551A>C, p.His184Pro (NM_001165255.2); short protein forms H184P, H396P.
Identifiers: ClinVar variation 4777997 (VCV004777997.1).

ClinVar aggregate classification (germline): Uncertain significance (1 of 4 stars; one submission).

gnomAD v4.1: 1 of 1,533,310 alleles (0.000065%); highest among the groups gnomAD compares: Admixed American, 0.002%; no homozygotes.

Submission:

Labcorp Genetics (formerly Invitae), Labcorp
Classification: Uncertain significance. Last evaluated: 2025-04-11. Review status: criteria provided, single submitter. Criteria: Invitae Variant Classification Sherloc (09022015). Collection method: clinical testing. Allele origin: germline.
Comment: This sequence change replaces histidine, which is basic and polar, with proline, which is neutral and non-polar, at codon 396 of the MNX1 protein (p.His396Pro). This variant is not present in population databases (gnomAD no frequency). This variant has not been reported in the literature in individuals affected with MNX1-related conditions. Experimental studies and prediction algorithms are not available or were not evaluated, and the functional significance of this variant is currently unknown. In summary, the available evidence is currently insufficient to determine the role of this variant in disease. Therefore, it has been classified as a Variant of Uncertain Significance.